The following is an entry in ClinVar:

NM_007262.5(PARK7):c.502A>G (p.Ile168Val)

Gene: PARK7 (Parkinsonism associated deglycase; plus strand). Cytogenetic location: 1p36.23.
Variant type: single nucleotide variant.
Coding change: c.502A>G on transcript NM_007262.5 (MANE Select); coding-DNA position 502, A replaced by G.
Protein change: p.Ile168Val; replaces isoleucine 168 with valine.
Molecular consequence: missense variant.
Genome position (GRCh38, 1-based): chr1:7,984,986, A>G. VCF-style: chr1-7984986-A-G. GRCh37 (hg19) VCF-style: chr1-8045046-A-G.
Other names: c.502A>G, p.Ile168Val (NM_001123377.2); short protein forms I168V.
Identifiers: ClinVar variation 875474 (VCV000875474.26), dbSNP rs374962638, ClinGen allele CA569641.

ClinVar aggregate classification (germline): Uncertain significance. Review status: criteria provided, multiple submitters, no conflicts (2 of 4 stars). 2 submissions from 2 submitters: Uncertain significance (2). Last evaluated 2023-12-01.

Conditions:
Autosomal recessive early-onset Parkinson disease 7. Identifiers: Orphanet 2828, MedGen C1853445, MONDO:0011658, OMIM 606324.

Allele frequency attached by ClinVar (database versions not stated): TOPMed 0.00002; ExAC 0.00003; gnomAD 0.00003; gnomAD exomes 0.00003; ESP Exome Variant Server 0.00008.
gnomAD v4.1: 42 of 1,614,084 alleles (0.0026%); highest among the groups gnomAD compares: Non-Finnish European, 0.0032%; no homozygotes.

Submissions (2):

CeGaT Center for Human Genetics Tuebingen
Classification: Uncertain significance. Last evaluated: 2023-12-01. Review status: criteria provided, single submitter. Criteria: CeGaT Center For Human Genetics Tuebingen Variant Classification Criteria Version 2. Collection method: clinical testing. Allele origin: germline. Affected: yes. Observed: 1 variant allele.
Comment: PARK7: PM2, BP4

Illumina Laboratory Services, Illumina
Classification: Uncertain significance for Autosomal recessive early-onset Parkinson disease 7. Last evaluated: 2017-04-28. Review status: criteria provided, single submitter. Criteria: ICSL Variant Classification Criteria 13 December 2019. Collection method: clinical testing. Allele origin: germline.